The following is an entry in ClinVar:

NC_000001.10:g.(?_7993202)_(7993376_?)del

Gene: TNFRSF9 (TNF receptor superfamily member 9; minus strand). Cytogenetic location: 1p36.23.
Variant type: Deletion.
Identifiers: ClinVar variation 3247912 (VCV003247912.1).

ClinVar aggregate classification (germline): Likely pathogenic (1 of 4 stars; one submission).

Submission:

Labcorp Genetics (formerly Invitae), Labcorp
Classification: Likely pathogenic. Last evaluated: 2023-12-05. Review status: criteria provided, single submitter. Criteria: Invitae Variant Classification Sherloc (09022015). Collection method: clinical testing. Allele origin: unknown.
Comment: This variant is a gross deletion of the genomic region encompassing exon(s) 8 of the TNFRSF9 gene. This variant would be expected to be in-frame, preserving the integrity of the reading frame. A similar copy number variant has been observed in individual(s) with TNFRSF9-related conditions (Invitae). In at least one individual the data is consistent with being in trans (on the opposite chromosome) from a pathogenic variant. Experimental studies and prediction algorithms are not available or were not evaluated, and the functional significance of this variant is currently unknown. In summary, the currently available evidence indicates that the variant is pathogenic, but additional data are needed to prove that conclusively. Therefore, this variant has been classified as Likely Pathogenic.